The following is an entry in ClinVar:

NM_005612.5(REST):c.1939_1940delinsTT (p.Ala647Phe)

Gene: REST (RE1 silencing transcription factor; plus strand). Cytogenetic location: 4q12.
Variant type: Indel.
Coding change: c.1939_1940delinsTT on transcript NM_005612.5 (MANE Select); coding-DNA positions 1939 to 1940, GC replaced by TT.
Protein change: p.Ala647Phe; replaces alanine 647 with phenylalanine.
Molecular consequence: missense variant.
Genome position (GRCh38, 1-based): chr4:56,930,797-56,930,798, GC replaced by TT. VCF-style: chr4-56930797-GC-TT. GRCh37 (hg19) VCF-style: chr4-57796963-GC-TT.
Other names: c.1939_1940delGCinsTT, p.Ala647Phe (NM_001193508.2, NM_001363453.3); short protein forms A647F.
Identifiers: ClinVar variation 1512909 (VCV001512909.6), dbSNP rs2109575299, ClinGen allele CA2573138342.

ClinVar aggregate classification (germline): Uncertain significance (1 of 4 stars; one submission).

Submission:

Labcorp Genetics (formerly Invitae), Labcorp
Classification: Uncertain significance. Last evaluated: 2021-06-21. Review status: criteria provided, single submitter. Criteria: Invitae Variant Classification Sherloc (09022015). Collection method: clinical testing. Allele origin: germline.
Comment: The frequency data for this variant in the population databases is not available, as this variant may be reported as separate entries in the ExAC database. In summary, the available evidence is currently insufficient to determine the role of this variant in disease. Therefore, it has been classified as a Variant of Uncertain Significance. Algorithms developed to predict the effect of missense changes on protein structure and function are either unavailable or do not agree on the potential impact of this missense change (SIFT: "Not Available"; PolyPhen-2: "Benign"; Align-GVGD: "Not Available"). This variant has not been reported in the literature in individuals with REST-related conditions. This sequence change replaces alanine with phenylalanine at codon 647 of the REST protein (p.Ala647Phe). The alanine residue is weakly conserved and there is a moderate physicochemical difference between alanine and phenylalanine.